The following is an entry in ClinVar:

NM_001291303.3(FAT4):c.6022C>T (p.Arg2008Trp)

Gene: FAT4 (FAT atypical cadherin 4; plus strand). Cytogenetic location: 4q28.1.
Variant type: single nucleotide variant.
Coding change: c.6022C>T on transcript NM_001291303.3 (MANE Select); coding-DNA position 6022, C replaced by T.
Protein change: p.Arg2008Trp; replaces arginine 2008 with tryptophan.
Molecular consequence: missense variant.
Genome position (GRCh38, 1-based): chr4:125,414,985, C>T. VCF-style: chr4-125414985-C-T. GRCh37 (hg19) VCF-style: chr4-126336140-C-T.
Other names: c.6022C>T, p.Arg2008Trp (NM_001291285.3, NM_024582.6); short protein forms R2008W.
Identifiers: ClinVar variation 3016903 (VCV003016903.3), dbSNP rs1734986491, ClinGen allele CA358126904.

ClinVar aggregate classification (germline): Uncertain significance (1 of 4 stars; one submission).

Allele frequency attached by ClinVar (database versions not stated): TOPMed below 0.00001; gnomAD 0.00001.
gnomAD v4.1: 8 of 1,613,776 alleles (0.0005%); highest among the groups gnomAD compares: Non-Finnish European, 0.00059%; no homozygotes.

Submission:

Labcorp Genetics (formerly Invitae), Labcorp
Classification: Uncertain significance. Last evaluated: 2022-12-21. Review status: criteria provided, single submitter. Criteria: Invitae Variant Classification Sherloc (09022015). Collection method: clinical testing. Allele origin: germline.
Comment: This missense change has been observed in individual(s) with clinical features of FAT4-related conditions (Invitae). In at least one individual the data is consistent with being in trans (on the opposite chromosome) from a pathogenic variant. In summary, the available evidence is currently insufficient to determine the role of this variant in disease. Therefore, it has been classified as a Variant of Uncertain Significance. Advanced modeling of protein sequence and biophysical properties (such as structural, functional, and spatial information, amino acid conservation, physicochemical variation, residue mobility, and thermodynamic stability) performed at Invitae indicates that this missense variant is expected to disrupt FAT4 protein function. This variant is not present in population databases (gnomAD no frequency). This sequence change replaces arginine, which is basic and polar, with tryptophan, which is neutral and slightly polar, at codon 2008 of the FAT4 protein (p.Arg2008Trp).